The following is an entry in ClinVar:

NM_001735.3(C5):c.301T>C (p.Tyr101His)

Gene: C5 (complement C5; minus strand). Cytogenetic location: 9q33.2.
Variant type: single nucleotide variant.
Coding change: c.301T>C on transcript NM_001735.3 (MANE Select); coding-DNA position 301, T replaced by C.
Protein change: p.Tyr101His; replaces tyrosine 101 with histidine.
Molecular consequence: missense variant.
Genome position (GRCh38, 1-based): chr9:121,043,124, A>G on the plus strand (T>C on the coding strand, the complement: C5 is on the minus strand). VCF-style: chr9-121043124-A-G. GRCh37 (hg19) VCF-style: chr9-123805402-A-G.
Other names: c.319T>C, p.Tyr107His (NM_001317163.2); c.301T>C, p.Tyr101His (NM_001317164.2); short protein forms Y101H, Y107H.
Identifiers: ClinVar variation 1406341 (VCV001406341.6), dbSNP rs1240046243, ClinGen allele CA374730123.
Genomic context (GRCh38, chr9:121,043,124, plus strand): 5'-AGGTTATTGGCATTCTTTTTGATTTTGAAAAATGCTTTGATACAACTTCCAAATACACAT[A>G]AGAAACTGGGTTTTGTCCTCCAGGCAATTGTTTTGGTTGTATCTGGAAAAGAAATTGTTG-3'
Protein context (NP_001726.2, residues 91-111): QLPGGQNPVS[Tyr101His]VYLEVVSKHF

ClinVar aggregate classification (germline): Uncertain significance (1 of 4 stars; one submission).

Allele frequency attached by ClinVar (database versions not stated): gnomAD exomes below 0.00001; gnomAD 0.00001; TOPMed 0.00002.
gnomAD v4.1: 4 of 1,613,330 alleles (0.00025%); highest among the groups gnomAD compares: African/African-American, 0.0053%; no homozygotes.

Submission:

Labcorp Genetics (formerly Invitae), Labcorp
Classification: Uncertain significance. Last evaluated: 2024-12-16. Review status: criteria provided, single submitter. Criteria: Invitae Variant Classification Sherloc (09022015). Collection method: clinical testing. Allele origin: germline.
Comment: This sequence change replaces tyrosine, which is neutral and polar, with histidine, which is basic and polar, at codon 101 of the C5 protein (p.Tyr101His). This variant is present in population databases (no rsID available, gnomAD 0.007%). This variant has not been reported in the literature in individuals affected with C5-related conditions. ClinVar contains an entry for this variant (Variation ID: 1406341). Invitae Evidence Modeling of protein sequence and biophysical properties (such as structural, functional, and spatial information, amino acid conservation, physicochemical variation, residue mobility, and thermodynamic stability) indicates that this missense variant is not expected to disrupt C5 protein function with a negative predictive value of 80%. In summary, the available evidence is currently insufficient to determine the role of this variant in disease. Therefore, it has been classified as a Variant of Uncertain Significance.